The following is an entry in ClinVar:

ClinVar aggregate classification (germline): Uncertain significance. Review status: criteria provided, multiple submitters, no conflicts (2 of 4 stars). 2 submissions from 2 submitters: Uncertain significance (2). Last evaluated 2026-07-15.

Conditions:
DICER1-related tumor predisposition. Also called: DICER1 syndrome; DICER1-related pleuropulmonary blastoma cancer predisposition syndrome. Identifiers: Orphanet 284343, MedGen C3839822, MONDO:0100216.
Hereditary cancer-predisposing syndrome. Also called: Neoplastic Syndromes, Hereditary; Hereditary Cancer Syndrome; Hereditary neoplastic syndrome; Tumor predisposition. Identifiers: Orphanet 140162, MedGen C0027672, MeSH D009386, MONDO:0015356.

Submissions (2):

Ambry Genetics
Classification: Uncertain significance for Hereditary cancer-predisposing syndrome. Last evaluated: 2026-07-15. Review status: criteria provided, single submitter. Criteria: Ambry Variant Classification Scheme 2023. Collection method: clinical testing. Allele origin: germline.
Comment: The p.F854V variant (also known as c.2560T>G), located in coding exon 15 of the DICER1 gene, results from a T to G substitution at nucleotide position 2560. The phenylalanine at codon 854 is replaced by valine, an amino acid with highly similar properties. This amino acid position is highly conserved in available vertebrate species. In addition, this alteration is predicted to be deleterious by in silico analysis. Based on the available evidence, the clinical significance of this variant remains unclear.

Labcorp Genetics (formerly Invitae), Labcorp
Classification: Uncertain significance for DICER1-related tumor predisposition. Last evaluated: 2022-11-20. Review status: criteria provided, single submitter. Criteria: Invitae Variant Classification Sherloc (09022015). Collection method: clinical testing. Allele origin: germline.
Comment: This sequence change replaces phenylalanine, which is neutral and non-polar, with valine, which is neutral and non-polar, at codon 854 of the DICER1 protein (p.Phe854Val). This variant is not present in population databases (gnomAD no frequency). This variant has not been reported in the literature in individuals affected with DICER1-related conditions. ClinVar contains an entry for this variant (Variation ID: 657876). Advanced modeling of protein sequence and biophysical properties (such as structural, functional, and spatial information, amino acid conservation, physicochemical variation, residue mobility, and thermodynamic stability) performed at Invitae indicates that this missense variant is expected to disrupt DICER1 protein function. In summary, the available evidence is currently insufficient to determine the role of this variant in disease. Therefore, it has been classified as a Variant of Uncertain Significance.

NM_177438.3(DICER1):c.2560T>G (p.Phe854Val)

Gene: DICER1 (dicer 1, ribonuclease III; minus strand). Cytogenetic location: 14q32.13.
Variant type: single nucleotide variant.
Coding change: c.2560T>G on transcript NM_177438.3 (MANE Select); coding-DNA position 2560, T replaced by G.
Protein change: p.Phe854Val; replaces phenylalanine 854 with valine.
Molecular consequence: missense variant.
Genome position (GRCh38, 1-based): chr14:95,107,970, A>C on the plus strand (T>G on the coding strand, the complement: DICER1 is on the minus strand). VCF-style: chr14-95107970-A-C. GRCh37 (hg19) VCF-style: chr14-95574307-A-C.
Other names: c.2560T>G, p.Phe854Val (NM_001195573.1, NM_001271282.3, NM_001291628.2 and 1 more transcripts); short protein forms F854V.
Identifiers: ClinVar variation 657876 (VCV000657876.11), dbSNP rs1595380414, ClinGen allele CA390881694.